The following is an entry in ClinVar:

GRCh38/hg38 1p33(chr1:49463753-49522404)x1

Genes: AGBL4 (AGBL carboxypeptidase 4; minus strand), AGBL4-IT1 (AGBL4 intronic transcript 1; minus strand). Cytogenetic location: 1p33.
Variant type: copy number loss.
Change: copy number 1 (one copy instead of two) of chr1:49,463,753-49,522,404 (58.7 kb, GRCh38 coordinates, 1-based), cytogenetic band 1p33.
Identifiers: ClinVar variation 144797 (VCV000144797.1).

ClinVar aggregate classification (germline): Benign/Likely benign (0 of 4 stars; one submission).

Submission:

GeneDx
Classification: Benign/Likely benign. Last evaluated: 2011-04-30. Review status: no assertion criteria provided. Collection method: clinical testing. Allele origin: not provided. Affected: yes. Observed: 5 variant alleles. Clinical features observed: Developmental delay AND/OR other significant developmental or morphological phenotypes.
Comment: Likely benign (1), Benign (4)